The following is an entry in ClinVar:

NM_020937.4(FANCM):c.318T>C (p.Asn106=)

Gene: FANCM (FA complementation group M; plus strand). Cytogenetic location: 14q21.2.
Variant type: single nucleotide variant.
Coding change: c.318T>C on transcript NM_020937.4 (MANE Select); coding-DNA position 318, T replaced by C.
Protein change: p.Asn106=; no amino-acid change (asparagine 106 retained).
Molecular consequence: synonymous variant.
Genome position (GRCh38, 1-based): chr14:45,136,349, T>C. VCF-style: chr14-45136349-T-C. GRCh37 (hg19) VCF-style: chr14-45605552-T-C.
Other names: c.318T>C, p.Asn106= (NM_001308133.2, NM_001308134.2).
Identifiers: ClinVar variation 3772115 (VCV003772115.13).

ClinVar aggregate classification (germline): Likely benign (1 of 4 stars; one submission).

Submission:

CeGaT Center for Human Genetics Tuebingen
Classification: Likely benign. Last evaluated: 2024-12-01. Review status: criteria provided, single submitter. Criteria: CeGaT Center For Human Genetics Tuebingen Variant Classification Criteria Version 2. Collection method: clinical testing. Allele origin: germline. Affected: yes. Observed: 1 variant allele.
Comment: FANCM: PM2:Supporting, BP4, BP7